The following is an entry in ClinVar:

NM_144988.4(ALG14):c.113G>T (p.Ser38Ile)

Genes: ALG14 (ALG14 UDP-N-acetylglucosaminyltransferase subunit; minus strand), LOC129930989 (ATAC-STARR-seq lymphoblastoid active region 1353; plus strand). Cytogenetic location: 1p21.3.
Variant type: single nucleotide variant.
Coding change: c.113G>T on transcript NM_144988.4 (MANE Select); coding-DNA position 113, G replaced by T.
Protein change: p.Ser38Ile; replaces serine 38 with isoleucine.
Molecular consequence: missense variant. On other transcripts: non-coding transcript variant (1).
Genome position (GRCh38, 1-based): chr1:95,072,786, C>A on the plus strand (G>T on the coding strand, the complement: ALG14 is on the minus strand). VCF-style: chr1-95072786-C-A. GRCh37 (hg19) VCF-style: chr1-95538342-C-A.
Other names: p.Ser38Ile; c.113G>T, p.Ser38Ile (NM_001305242.2); short protein forms S38I.
Identifiers: ClinVar variation 287329 (VCV000287329.57), dbSNP rs139521179, ClinGen allele CA961889.

ClinVar aggregate classification (germline): Conflicting classifications of pathogenicity. Review status: criteria provided, conflicting classifications (1 of 4 stars). 7 submissions from 7 submitters: Uncertain significance (2); Likely benign (4). 1 of the submissions does not count toward it. Last evaluated 2026-06-01.

Conditions:
ALG14-related disorder. Also called: ALG14-related condition.
Congenital myasthenic syndrome 15. Also called: Myasthenic syndrome, congenital, 15, without tubular aggregates. Identifiers: Orphanet 353327, Orphanet 590, MedGen C4015596, MONDO:0014542, OMIM 616227.

Allele frequency attached by ClinVar (database versions not stated): 1000 Genomes Project 0.00100; 1000 Genomes Project 30x 0.00109; gnomAD 0.00255; TOPMed 0.00260; ESP Exome Variant Server 0.00331.
gnomAD v4.1: 4,961 of 1,614,186 alleles (0.31%); highest among the groups gnomAD compares: Non-Finnish European, 0.39%; 7 homozygotes.

Submissions (7):

CeGaT Center for Human Genetics Tuebingen
Classification: Likely benign. Last evaluated: 2026-06-01. Review status: criteria provided, single submitter. Criteria: CeGaT Center For Human Genetics Tuebingen Variant Classification Criteria Version 2. Collection method: clinical testing. Allele origin: germline. Affected: yes. Observed: 6 variant alleles.
Comment: ALG14: BP4, BS2

Labcorp Genetics (formerly Invitae), Labcorp
Classification: Likely benign for Congenital myasthenic syndrome 15. Last evaluated: 2026-01-06. Review status: criteria provided, single submitter. Criteria: Invitae Variant Classification Sherloc (09022015). Collection method: clinical testing. Allele origin: germline.

Mayo Clinic Laboratories, Mayo Clinic
Classification: Likely benign. Last evaluated: 2025-05-12. Review status: criteria provided, single submitter. Criteria: ACMG Guidelines, 2015. Collection method: clinical testing. Allele origin: germline. Observed: 3 variant alleles.
Comment: BS2, BP4_moderate

GeneDx
Classification: Likely benign. Last evaluated: 2021-06-22. Review status: criteria provided, single submitter. Criteria: GeneDx Variant Classification Process June 2021. Collection method: clinical testing. Allele origin: germline. Affected: yes.

Genetic Services Laboratory, University of Chicago
Classification: Uncertain significance. Last evaluated: 2019-08-15. Review status: criteria provided, single submitter. Criteria: ACMG Guidelines, 2015. Collection method: clinical testing. Allele origin: germline. Affected: no.

Eurofins Ntd Llc (ga)
Classification: Uncertain significance. Last evaluated: 2016-04-08. Review status: criteria provided, single submitter. Criteria: EGL Classification Definitions 2015. Collection method: clinical testing. Allele origin: germline. Observed: 1 variant allele, 1 heterozygote.

PreventionGenetics, part of Exact Sciences
Classification: Likely benign for ALG14-related condition. Last evaluated: 2021-02-11. Review status: no assertion criteria provided. Collection method: clinical testing. Allele origin: germline. Not counted in ClinVar's aggregate classification.
Comment: This variant is classified as likely benign based on ACMG/AMP sequence variant interpretation guidelines (Richards et al. 2015 PMID: 25741868, with internal and published modifications).

Literature cited by the submitters: PubMed 32324286 (cited by Mayo Clinic Laboratories, Mayo Clinic).